The following is an entry in ClinVar:

ClinVar aggregate classification (germline): Uncertain significance (1 of 4 stars; one submission).

gnomAD v4.1: 83 of 1,610,666 alleles (0.0052%); highest among the groups gnomAD compares: Non-Finnish European, 0.0065%; no homozygotes.

Submission:

Women's Health and Genetics/Laboratory Corporation of America, LabCorp
Classification: Uncertain significance. Last evaluated: 2024-10-09. Review status: criteria provided, single submitter. Criteria: LabCorp Variant Classification Summary - May 2015. Collection method: clinical testing. Allele origin: germline.
Comment: Variant summary: SIN3A c.*13A>G is located in the untranslated mRNA region downstream of the termination codon. The variant allele was found at a frequency of 2e-05 in 251226 control chromosomes. The available data on variant occurrences in the general population are insufficient to allow any conclusion about variant significance. To our knowledge, no occurrence of c.*13A>G in individuals affected with SIN3A-Related Intellectual Disability Syndrome and no experimental evidence demonstrating its impact on protein function have been reported. No submitters have cited clinical-significance assessments for this variant to ClinVar. Based on the evidence outlined above, the variant was classified as uncertain significance.

NM_001145358.2(SIN3A):c.*13A>G

Gene: SIN3A (SIN3 transcription regulator family member A; minus strand). Cytogenetic location: 15q24.2.
Variant type: single nucleotide variant.
Coding change: c.*13A>G on transcript NM_001145358.2 (MANE Select); 13 bases downstream of the stop codon, A replaced by G.
Molecular consequence: 3 prime UTR variant.
Genome position (GRCh38, 1-based): chr15:75,371,966, T>C on the plus strand (A>G on the coding strand, the complement: SIN3A is on the minus strand). VCF-style: chr15-75371966-T-C. GRCh37 (hg19) VCF-style: chr15-75664307-T-C.
Other names: c.*13A>G (NM_001145357.2, NM_015477.3).
Identifiers: ClinVar variation 3384800 (VCV003384800.1).
Genomic context (GRCh38, chr15:75,371,966, plus strand): 5'-TTCAGTGTGTGAGTGCATAGGCCCACACACACATCCCCACACACACCCCAAGTTATCTGC[T>C]CTGGCTTTGCAGTTAAGGGGCTTTGAATACTGTGCCGTATTTGACACGATACTTGTTAAT-3'